The following is an entry in ClinVar:

NM_000443.4(ABCB4):c.516A>T (p.Glu172Asp)

Gene: ABCB4 (ATP binding cassette subfamily B member 4; minus strand). Cytogenetic location: 7q21.12.
Variant type: single nucleotide variant.
Coding change: c.516A>T on transcript NM_000443.4 (MANE Select); coding-DNA position 516, A replaced by T.
Protein change: p.Glu172Asp; replaces glutamic acid 172 with aspartic acid.
Molecular consequence: missense variant.
Genome position (GRCh38, 1-based): chr7:87,452,964, T>A on the plus strand (A>T on the coding strand, the complement: ABCB4 is on the minus strand). VCF-style: chr7-87452964-T-A. GRCh37 (hg19) VCF-style: chr7-87082280-T-A.
Other names: c.516A>T, p.Glu172Asp (NM_018849.3, NM_018850.3); short protein forms E172D.
Identifiers: ClinVar variation 3356564 (VCV003356564.1).

ClinVar aggregate classification (germline): Uncertain significance (0 of 4 stars; one submission).

Conditions:
ABCB4-related disorder. Also called: ABCB4-related disorders; ABCB4-related condition.

gnomAD v4.1: 24 of 1,613,934 alleles (0.0015%); highest among the groups gnomAD compares: Non-Finnish European, 0.002%; no homozygotes.

Submission:

PreventionGenetics, part of Exact Sciences
Classification: Uncertain significance for ABCB4-related condition. Last evaluated: 2024-08-15. Review status: no assertion criteria provided. Collection method: clinical testing. Allele origin: germline.
Comment: The ABCB4 c.516A>T variant is predicted to result in the amino acid substitution p.Glu172Asp. To our knowledge, this variant has not been reported in the literature. This variant is reported in 0.0097% of alleles in individuals of European (Non-Finnish) descent in gnomAD. At this time, the clinical significance of this variant is uncertain due to the absence of conclusive functional and genetic evidence.